The following is an entry in ClinVar:

NM_005654.6(NR2F1):c.1150G>A (p.Val384Ile)

Gene: NR2F1 (nuclear receptor subfamily 2 group F member 1; plus strand). Cytogenetic location: 5q15.
Variant type: single nucleotide variant.
Coding change: c.1150G>A on transcript NM_005654.6 (MANE Select); coding-DNA position 1150, G replaced by A.
Protein change: p.Val384Ile; replaces valine 384 with isoleucine.
Molecular consequence: missense variant.
Genome position (GRCh38, 1-based): chr5:93,593,720, G>A. VCF-style: chr5-93593720-G-A. GRCh37 (hg19) VCF-style: chr5-92929426-G-A.
Other names: c.1150G>A (NM_005654.4); c.700G>A, p.Val234Ile (NM_001410754.1); short protein forms V234I, V384I.
Identifiers: ClinVar variation 2051342 (VCV002051342.5), dbSNP rs775761102, ClinGen allele CA3343248.

ClinVar aggregate classification (germline): Uncertain significance. Review status: criteria provided, multiple submitters, no conflicts (2 of 4 stars). 2 submissions from 2 submitters: Uncertain significance (2). Last evaluated 2025-04-13.

Conditions:
Inborn genetic diseases. Identifiers: MedGen C0950123, MeSH D030342.

Allele frequency attached by ClinVar (database versions not stated): gnomAD 0.00001; ExAC 0.00001; TOPMed 0.00001; gnomAD exomes 0.00002.
gnomAD v4.1: 33 of 1,614,100 alleles (0.002%); highest among the groups gnomAD compares: African/African-American, 0.0027%; no homozygotes.

Submissions (2):

Ambry Genetics
Classification: Uncertain significance for Inborn genetic diseases. Last evaluated: 2025-04-13. Review status: criteria provided, single submitter. Criteria: Ambry Variant Classification Scheme 2023. Collection method: clinical testing. Allele origin: germline.

Labcorp Genetics (formerly Invitae), Labcorp
Classification: Uncertain significance. Last evaluated: 2022-09-27. Review status: criteria provided, single submitter. Criteria: Invitae Variant Classification Sherloc (09022015). Collection method: clinical testing. Allele origin: germline.
Comment: In summary, the available evidence is currently insufficient to determine the role of this variant in disease. Therefore, it has been classified as a Variant of Uncertain Significance. Advanced modeling of protein sequence and biophysical properties (such as structural, functional, and spatial information, amino acid conservation, physicochemical variation, residue mobility, and thermodynamic stability) performed at Invitae indicates that this missense variant is not expected to disrupt NR2F1 protein function. This sequence change replaces valine, which is neutral and non-polar, with isoleucine, which is neutral and non-polar, at codon 384 of the NR2F1 protein (p.Val384Ile). This variant is present in population databases (rs775761102, gnomAD 0.01%). This variant has not been reported in the literature in individuals affected with NR2F1-related conditions.